The following is an entry in ClinVar:

ClinVar aggregate classification (germline): Likely benign. Review status: criteria provided, multiple submitters, no conflicts (2 of 4 stars). 5 submissions from 5 submitters: Likely benign (3). 2 of the submissions do not count toward it. Last evaluated 2026-01-31.

Conditions:
VPS13B-related disorder. Also called: VPS13B-related condition.
Cohen syndrome (COH1). Also called: Cutis verticis gyrata, retinitis pigmentosa, and sensorineural deafness; PEPPER SYNDROME. Identifiers: Orphanet 193, MedGen C0265223, MONDO:0008999, OMIM 216550.

Allele frequency attached by ClinVar (database versions not stated): gnomAD 0.00001; ExAC 0.00003; gnomAD exomes 0.00003; TOPMed 0.00003.
gnomAD v4.1: 29 of 1,613,844 alleles (0.0018%); highest among the groups gnomAD compares: Admixed American, 0.013%; no homozygotes.

Submissions (5):

Labcorp Genetics (formerly Invitae), Labcorp
Classification: Likely benign for Cohen syndrome. Last evaluated: 2026-01-31. Review status: criteria provided, single submitter. Criteria: Invitae Variant Classification Sherloc (09022015). Collection method: clinical testing. Allele origin: germline.

CeGaT Center for Human Genetics Tuebingen
Classification: Likely benign. Last evaluated: 2025-05-01. Review status: criteria provided, single submitter. Criteria: CeGaT Center For Human Genetics Tuebingen Variant Classification Criteria Version 2. Collection method: clinical testing. Allele origin: germline. Affected: yes. Observed: 1 variant allele.
Comment: VPS13B: BP4, BP7

Blueprint Genetics
Classification: Likely benign. Last evaluated: 2022-02-10. Review status: criteria provided, single submitter. Criteria: ACMG Guidelines, 2015. Collection method: clinical testing. Allele origin: germline.

PreventionGenetics, part of Exact Sciences
Classification: Likely benign for VPS13B-related condition. Last evaluated: 2023-04-18. Review status: no assertion criteria provided. Collection method: clinical testing. Allele origin: germline. Not counted in ClinVar's aggregate classification.
Comment: This variant is classified as likely benign based on ACMG/AMP sequence variant interpretation guidelines (Richards et al. 2015 PMID: 25741868, with internal and published modifications).

Natera, Inc.
Classification: Uncertain significance for Cohen syndrome. Last evaluated: 2020-02-13. Review status: no assertion criteria provided. Collection method: clinical testing. Allele origin: germline. Not counted in ClinVar's aggregate classification.

NM_152564.5(VPS13B):c.7965T>C (p.Gly2655=)

Gene: VPS13B (vacuolar protein sorting 13 homolog B; plus strand). Cytogenetic location: 8q22.2.
Variant type: single nucleotide variant.
Coding change: c.7965T>C on transcript NM_152564.5 (MANE Select); coding-DNA position 7965, T replaced by C.
Protein change: p.Gly2655=; no amino-acid change (glycine 2655 retained).
Molecular consequence: synonymous variant.
Genome position (GRCh38, 1-based): chr8:99,809,398, T>C. VCF-style: chr8-99809398-T-C. GRCh37 (hg19) VCF-style: chr8-100821626-T-C.
Other names: c.8040T>C, p.Gly2680= (NM_017890.5); c.7965T>C (NM_152564.4).
Identifiers: ClinVar variation 770079 (VCV000770079.24), dbSNP rs758430817, ClinGen allele CA4824355.